The following is an entry in ClinVar:

ClinVar aggregate classification (germline): Uncertain significance (1 of 4 stars; one submission).

gnomAD v4.1: 3 of 1,578,514 alleles (0.00019%); highest among the groups gnomAD compares: African/African-American, 0.0013%; no homozygotes.

Submission:

Labcorp Genetics (formerly Invitae), Labcorp
Classification: Uncertain significance. Last evaluated: 2022-04-16. Review status: criteria provided, single submitter. Criteria: Invitae Variant Classification Sherloc (09022015). Collection method: clinical testing. Allele origin: germline.
Comment: This sequence change replaces valine, which is neutral and non-polar, with methionine, which is neutral and non-polar, at codon 5462 of the ADGRV1 protein (p.Val5462Met). This variant is not present in population databases (gnomAD no frequency). This variant has not been reported in the literature in individuals affected with ADGRV1-related conditions. Algorithms developed to predict the effect of missense changes on protein structure and function output the following: SIFT: "Tolerated"; PolyPhen-2: "Benign"; Align-GVGD: "Class C0". The methionine amino acid residue is found in multiple mammalian species, which suggests that this missense change does not adversely affect protein function. In summary, the available evidence is currently insufficient to determine the role of this variant in disease. Therefore, it has been classified as a Variant of Uncertain Significance.

NM_032119.4(ADGRV1):c.16384G>A (p.Val5462Met)

Gene: ADGRV1 (adhesion G protein-coupled receptor V1; plus strand). Cytogenetic location: 5q14.3.
Variant type: single nucleotide variant.
Coding change: c.16384G>A on transcript NM_032119.4 (MANE Select); coding-DNA position 16384, G replaced by A.
Protein change: p.Val5462Met; replaces valine 5462 with methionine.
Molecular consequence: missense variant. On other transcripts: non-coding transcript variant (1).
Genome position (GRCh38, 1-based): chr5:90,828,959, G>A. VCF-style: chr5-90828959-G-A. GRCh37 (hg19) VCF-style: chr5-90124776-G-A.
Other names: short protein forms V5462M.
Identifiers: ClinVar variation 2127037 (VCV002127037.1), dbSNP rs1326438360, ClinGen allele CA360426663.